The following is an entry in ClinVar:

NM_004656.4(BAP1):c.1154G>A (p.Arg385Gln)

Gene: BAP1 (BRCA1 associated deubiquitinase 1; minus strand). Cytogenetic location: 3p21.1.
Variant type: single nucleotide variant.
Coding change: c.1154G>A on transcript NM_004656.4 (MANE Select); coding-DNA position 1154, G replaced by A.
Protein change: p.Arg385Gln; replaces arginine 385 with glutamine.
Molecular consequence: missense variant.
Genome position (GRCh38, 1-based): chr3:52,404,549, C>T on the plus strand (G>A on the coding strand, the complement: BAP1 is on the minus strand). VCF-style: chr3-52404549-C-T. GRCh37 (hg19) VCF-style: chr3-52438565-C-T.
Other names: c.1154G>A (LRG_529t1); short protein forms R385Q.
Identifiers: ClinVar variation 485288 (VCV000485288.16), dbSNP rs765258055, ClinGen allele CA2436886.

ClinVar aggregate classification (germline): Uncertain significance. Review status: criteria provided, multiple submitters, no conflicts (2 of 4 stars). 5 submissions from 5 submitters: Uncertain significance (5). Last evaluated 2025-07-23.

Conditions:
BAP1-related tumor predisposition syndrome (TPDS1). Also called: Tumor susceptibility linked to germline BAP1 mutations; BAP1 tumor predisposition syndrome; COMMON Syndrome; TUMOR PREDISPOSITION SYNDROME 1. Identifiers: Orphanet 289539, MedGen C3280492, MONDO:0013692, OMIM 614327.
Hereditary cancer-predisposing syndrome. Also called: Neoplastic Syndromes, Hereditary; Tumor predisposition; Hereditary Cancer Syndrome; Hereditary neoplastic syndrome. Identifiers: Orphanet 140162, MedGen C0027672, MeSH D009386, MONDO:0015356.

Allele frequency attached by ClinVar (database versions not stated): gnomAD exomes below 0.00001 and 0.00001; TOPMed below 0.00001; gnomAD 0.00001; ExAC 0.00002.
gnomAD v4.1: 5 of 1,613,702 alleles (0.00031%); highest among the groups gnomAD compares: East Asian, 0.0022%; no homozygotes.

Submissions (5):

Labcorp Genetics (formerly Invitae), Labcorp
Classification: Uncertain significance for BAP1-related tumor predisposition syndrome. Last evaluated: 2025-07-23. Review status: criteria provided, single submitter. Criteria: Invitae Variant Classification Sherloc (09022015). Collection method: clinical testing. Allele origin: germline.
Comment: This sequence change replaces arginine, which is basic and polar, with glutamine, which is neutral and polar, at codon 385 of the BAP1 protein (p.Arg385Gln). This variant is present in population databases (rs765258055, gnomAD 0.006%). This variant has not been reported in the literature in individuals affected with BAP1-related conditions. ClinVar contains an entry for this variant (Variation ID: 485288). Invitae Evidence Modeling of protein sequence and biophysical properties (such as structural, functional, and spatial information, amino acid conservation, physicochemical variation, residue mobility, and thermodynamic stability) has been performed for this missense variant. However, the output from this modeling did not meet the statistical confidence thresholds required to predict the impact of this variant on BAP1 protein function. In summary, the available evidence is currently insufficient to determine the role of this variant in disease. Therefore, it has been classified as a Variant of Uncertain Significance.

Ambry Genetics
Classification: Uncertain significance for Hereditary cancer-predisposing syndrome. Last evaluated: 2024-10-27. Review status: criteria provided, single submitter. Criteria: Ambry Variant Classification Scheme 2023. Collection method: clinical testing. Allele origin: germline.
Comment: The p.R385Q variant (also known as c.1154G>A), located in coding exon 12 of the BAP1 gene, results from a G to A substitution at nucleotide position 1154. The arginine at codon 385 is replaced by glutamine, an amino acid with highly similar properties. This nucleotide position is highly conserved in available vertebrate species. This amino acid position is highly conserved in available vertebrate species. In addition, this alteration is predicted to be tolerated by in silico analysis. Since supporting evidence is limited at this time, the clinical significance of this alteration remains unclear.

Baylor Genetics
Classification: Uncertain significance for BAP1-related tumor predisposition syndrome. Last evaluated: 2023-10-22. Review status: criteria provided, single submitter. Criteria: ACMG Guidelines, 2015. Collection method: clinical testing. Allele origin: unknown.

GeneDx
Classification: Uncertain significance. Last evaluated: 2021-04-19. Review status: criteria provided, single submitter. Criteria: GeneDx Variant Classification Process June 2021. Collection method: clinical testing. Allele origin: germline. Affected: yes.
Comment: Not observed at a significant frequency in large population cohorts (Lek 2016); In silico analysis supports that this missense variant does not alter protein structure/function; Has not been previously published as pathogenic or benign to our knowledge

Color Diagnostics, LLC DBA Color Health
Classification: Uncertain significance for Hereditary cancer-predisposing syndrome. Last evaluated: 2019-02-27. Review status: criteria provided, single submitter. Criteria: ACMG Guidelines, 2015. Collection method: clinical testing. Allele origin: germline.